The following is an entry in ClinVar:

NM_005982.4(SIX1):c.487C>T (p.Leu163Phe)

Genes: MIR9718 (microRNA 9718; plus strand), SIX1 (SIX homeobox 1; minus strand). Cytogenetic location: 14q23.1.
Variant type: single nucleotide variant.
Coding change: c.487C>T on transcript NM_005982.4 (MANE Select); coding-DNA position 487, C replaced by T.
Protein change: p.Leu163Phe; replaces leucine 163 with phenylalanine.
Molecular consequence: missense variant. On other transcripts: non-coding transcript variant (1).
Genome position (GRCh38, 1-based): chr14:60,648,703, G>A on the plus strand (C>T on the coding strand, the complement: SIX1 is on the minus strand). VCF-style: chr14-60648703-G-A. GRCh37 (hg19) VCF-style: chr14-61115421-G-A.
Other names: c.487C>T, p.Leu163Phe (NM_001425142.1); short protein forms L163F.
Identifiers: ClinVar variation 2948002 (VCV002948002.3), dbSNP rs876658002, ClinGen allele CA389910210.

ClinVar aggregate classification (germline): Uncertain significance (1 of 4 stars; one submission).

Conditions:
Branchiootic syndrome 3 (BOS3). Also called: BO SYNDROME 3. Identifiers: MedGen C1842124, MONDO:0012025, OMIM 608389.
Autosomal dominant nonsyndromic hearing loss 23. Identifiers: Orphanet 90635, MedGen C1854594, MONDO:0011519, OMIM 605192.

Submission:

Labcorp Genetics (formerly Invitae), Labcorp
Classification: Uncertain significance for Autosomal dominant nonsyndromic hearing loss 23; Branchiootic syndrome 3. Last evaluated: 2023-12-07. Review status: criteria provided, single submitter. Criteria: Invitae Variant Classification Sherloc (09022015). Collection method: clinical testing. Allele origin: germline.
Comment: This sequence change replaces leucine, which is neutral and non-polar, with phenylalanine, which is neutral and non-polar, at codon 163 of the SIX1 protein (p.Leu163Phe). This variant is not present in population databases (gnomAD no frequency). This variant has not been reported in the literature in individuals affected with SIX1-related conditions. Advanced modeling of protein sequence and biophysical properties (such as structural, functional, and spatial information, amino acid conservation, physicochemical variation, residue mobility, and thermodynamic stability) performed at Invitae indicates that this missense variant is expected to disrupt SIX1 protein function with a positive predictive value of 80%. In summary, the available evidence is currently insufficient to determine the role of this variant in disease. Therefore, it has been classified as a Variant of Uncertain Significance.